The following is an entry in ClinVar:

ClinVar aggregate classification (germline): Uncertain significance (1 of 4 stars; one submission).

Submission:

GeneDx
Classification: Uncertain significance. Last evaluated: 2024-05-20. Review status: criteria provided, single submitter. Criteria: GeneDx Variant Classification Process June 2021. Collection method: clinical testing. Allele origin: germline. Affected: yes.
Comment: Not observed at significant frequency in large population cohorts (gnomAD); In silico analysis supports that this missense variant has a deleterious effect on protein structure/function; Has not been previously published as pathogenic or benign to our knowledge

NM_006922.4(SCN3A):c.2894T>C (p.Met965Thr)

Gene: SCN3A (sodium voltage-gated channel alpha subunit 3; minus strand). Cytogenetic location: 2q24.3.
Variant type: single nucleotide variant.
Coding change: c.2894T>C on transcript NM_006922.4 (MANE Select); coding-DNA position 2894, T replaced by C.
Protein change: p.Met965Thr; replaces methionine 965 with threonine.
Molecular consequence: missense variant.
Genome position (GRCh38, 1-based): chr2:165,129,968, A>G on the plus strand (T>C on the coding strand, the complement: SCN3A is on the minus strand). VCF-style: chr2-165129968-A-G. GRCh37 (hg19) VCF-style: chr2-165986478-A-G.
Other names: c.2747T>C, p.Met916Thr (NM_001081676.2, NM_001081677.2); short protein forms M916T, M965T.
Identifiers: ClinVar variation 3383552 (VCV003383552.1).